The following is an entry in ClinVar:

NM_005630.3(SLCO2A1):c.185G>A (p.Arg62His)

Gene: SLCO2A1 (solute carrier organic anion transporter family member 2A1; minus strand). Cytogenetic location: 3q22.1.
Variant type: single nucleotide variant.
Coding change: c.185G>A on transcript NM_005630.3 (MANE Select); coding-DNA position 185, G replaced by A.
Protein change: p.Arg62His; replaces arginine 62 with histidine.
Molecular consequence: missense variant.
Genome position (GRCh38, 1-based): chr3:133,979,530, C>T on the plus strand (G>A on the coding strand, the complement: SLCO2A1 is on the minus strand). VCF-style: chr3-133979530-C-T. GRCh37 (hg19) VCF-style: chr3-133698374-C-T.
Other names: c.185G>A (NM_005630.2); short protein forms R62H.
Identifiers: ClinVar variation 1496798 (VCV001496798.7), dbSNP rs200980092, ClinGen allele CA2626912.
Genomic context (GRCh38, chr3:133,979,530, plus strand): 5'-CTCCTGCTCACCTCATTCAAGCTGGAAATGAGACCCGATGAAGAACTGGAGAGCCCAAAG[C>T]GCTTCTCAATGGTGGTGAGGCTGCTCTTGAAGTAGGCGCTGTACAGGAGTTGGCAGAGCT-3'
Protein context (NP_005621.2, residues 52-72): FKSSLTTIEK[Arg62His]FGLSSSSSGL

ClinVar aggregate classification (germline): Uncertain significance. Review status: criteria provided, multiple submitters, no conflicts (2 of 4 stars). 2 submissions from 2 submitters: Uncertain significance (2). Last evaluated 2026-01-19.

Allele frequency attached by ClinVar (database versions not stated): ESP Exome Variant Server 0.00015; TOPMed 0.00034; gnomAD exomes 0.00035; ExAC 0.00036; gnomAD 0.00042.

Submissions (2):

Labcorp Genetics (formerly Invitae), Labcorp
Classification: Uncertain significance. Last evaluated: 2026-01-19. Review status: criteria provided, single submitter. Criteria: Invitae Variant Classification Sherloc (09022015). Collection method: clinical testing. Allele origin: germline.
Comment: This sequence change replaces arginine, which is basic and polar, with histidine, which is basic and polar, at codon 62 of the SLCO2A1 protein (p.Arg62His). This variant is present in population databases (rs200980092, gnomAD 0.07%). This variant has not been reported in the literature in individuals affected with SLCO2A1-related conditions. ClinVar contains an entry for this variant (Variation ID: 1496798). Invitae Evidence Modeling of protein sequence and biophysical properties (such as structural, functional, and spatial information, amino acid conservation, physicochemical variation, residue mobility, and thermodynamic stability) has been performed for this missense variant. However, the output from this modeling did not meet the statistical confidence thresholds required to predict the impact of this variant on SLCO2A1 protein function. In summary, the available evidence is currently insufficient to determine the role of this variant in disease. Therefore, it has been classified as a Variant of Uncertain Significance.

GeneDx
Classification: Uncertain significance. Last evaluated: 2024-09-07. Review status: criteria provided, single submitter. Criteria: GeneDx Variant Classification Process June 2021. Collection method: clinical testing. Allele origin: germline. Affected: yes.
Comment: In silico analysis supports that this missense variant has a deleterious effect on protein structure/function; Has not been previously published as pathogenic or benign to our knowledge